The following is an entry in ClinVar:

NM_001673.5(ASNS):c.17C>T (p.Ala6Val)

Genes: ASNS (asparagine synthetase (glutamine-hydrolyzing); minus strand), CZ1P-ASNS (CZ1P-ASNS readthrough; minus strand). Cytogenetic location: 7q21.3.
Variant type: single nucleotide variant.
Coding change: c.17C>T on transcript NM_001673.5 (MANE Select); coding-DNA position 17, C replaced by T.
Protein change: p.Ala6Val; replaces alanine 6 with valine.
Molecular consequence: missense variant. On other transcripts: non-coding transcript variant (1), intron variant (3).
Genome position (GRCh38, 1-based): chr7:97,869,140, G>A on the plus strand (C>T on the coding strand, the complement: ASNS is on the minus strand). VCF-style: chr7-97869140-G-A. GRCh37 (hg19) VCF-style: chr7-97498452-G-A.
Other names: c.17C>T, p.Ala6Val (NM_001352496.2, NM_133436.3, NM_183356.4); c.-1+3211C>T (NM_001178076.2); c.-12-35C>T (NM_001178075.2); c.-1+2901C>T (NM_001178077.1); short protein forms A6V.
Identifiers: ClinVar variation 1693384 (VCV001693384.3), dbSNP rs398122975, ClinGen allele CA4354855.

ClinVar aggregate classification (germline): Uncertain significance (1 of 4 stars; one submission).

Allele frequency attached by ClinVar (database versions not stated): TOPMed 0.00001; ExAC 0.00002.

Submission:

GeneDx
Classification: Uncertain significance. Last evaluated: 2025-03-20. Review status: criteria provided, single submitter. Criteria: GeneDx Variant Classification Process June 2021. Collection method: clinical testing. Allele origin: germline. Affected: yes.
Comment: Not observed at significant frequency in large population cohorts (gnomAD); In silico analysis supports that this missense variant has a deleterious effect on protein structure/function; Has not been previously published as pathogenic or benign to our knowledge